The following is an entry in ClinVar:

ClinVar aggregate classification (germline): Uncertain significance (1 of 4 stars; one submission).

Conditions:
Anemia, congenital dyserythropoietic, type 1a (CDAN1A). Also called: DYSERYTHROPOIETIC ANEMIA, CONGENITAL, TYPE Ia; CDAN1-Related Congenital Dyserythropoietic Anemia. Identifiers: MedGen C5574667, MONDO:0009135, OMIM 224120.

Submission:

Institute of Human Genetics, University of Leipzig Medical Center
Classification: Uncertain significance for Anemia, congenital dyserythropoietic, type 1a. Last evaluated: 2022-09-20. Review status: criteria provided, single submitter. Criteria: ACMG Guidelines, 2015. Collection method: clinical testing. Allele origin: maternal. Affected: yes.
Comment: _x000D_This variant was identified as compound heterozygous with NM_138477.4:c.2029C>T. Criteria applied: PP3, PM2_SUP

NM_138477.4(CDAN1):c.2110G>A (p.Asp704Asn)

Gene: CDAN1 (codanin 1; minus strand). Cytogenetic location: 15q15.2.
Variant type: single nucleotide variant.
Coding change: c.2110G>A on transcript NM_138477.4 (MANE Select); coding-DNA position 2110, G replaced by A.
Protein change: p.Asp704Asn; replaces aspartic acid 704 with asparagine.
Molecular consequence: missense variant.
Genome position (GRCh38, 1-based): chr15:42,730,662, C>T on the plus strand (G>A on the coding strand, the complement: CDAN1 is on the minus strand). VCF-style: chr15-42730662-C-T. GRCh37 (hg19) VCF-style: chr15-43022860-C-T.
Other names: short protein forms D704N.
Identifiers: ClinVar variation 1707540 (VCV001707540.1), dbSNP rs2061598789, ClinGen allele CA392042331.